The following is an entry in ClinVar:

NM_000138.5(FBN1):c.1985A>G (p.Tyr662Cys)

Gene: FBN1 (fibrillin 1; minus strand). Cytogenetic location: 15q21.1.
Variant type: single nucleotide variant.
Coding change: c.1985A>G on transcript NM_000138.5 (MANE Select); coding-DNA position 1985, A replaced by G.
Protein change: p.Tyr662Cys; replaces tyrosine 662 with cysteine.
Molecular consequence: missense variant.
Genome position (GRCh38, 1-based): chr15:48,503,915, T>C on the plus strand (A>G on the coding strand, the complement: FBN1 is on the minus strand). VCF-style: chr15-48503915-T-C. GRCh37 (hg19) VCF-style: chr15-48796112-T-C.
Other names: c.1985A>G, p.Tyr662Cys (NM_001406716.1); short protein forms Y662C.
Identifiers: ClinVar variation 4758781 (VCV004758781.1).
Genomic context (GRCh38, chr15:48,503,915, plus strand): 5'-TCAGATTTAGTGACAGCACCAAACAAAGGTTTGATACACTGGCCTCTCTTGTATCCACCA[T>C]AGCATGTGCTCCGCATGTGTGTGTCTAAACAGGAAGAAGCATCTGTCATCACACTGTCAC-3'
Protein context (NP_000129.3, residues 652-672): CVDTHMRSTC[Tyr662Cys]GGYKRGQCIK

ClinVar aggregate classification (germline): Uncertain significance (1 of 4 stars; one submission).

Conditions:
Familial thoracic aortic aneurysm and aortic dissection (TAAD). Also called: Thoracic aortic aneurysms and dissections. Identifiers: Orphanet 91387, MedGen C4707243, MONDO:0019625.

gnomAD v4.1: 6 of 1,614,114 alleles (0.00037%); highest among the groups gnomAD compares: East Asian, 0.0022%; no homozygotes.

Submission:

Color Diagnostics, LLC DBA Color Health
Classification: Uncertain significance for Familial thoracic aortic aneurysm and aortic dissection. Last evaluated: 2025-06-10. Review status: criteria provided, single submitter. Criteria: ACMG Guidelines, 2015. Collection method: clinical testing. Allele origin: germline.
Comment: This missense variant replaces tyrosine with cysteine at codon 662 of the FBN1 protein. Computational prediction suggests that this variant may have a deleterious impact on protein structure and function. To our knowledge, functional studies have not been reported for this variant. This variant has not been reported in individuals affected with FBN1-related disorders in the literature. This variant has been identified in 2/282864 chromosomes in the general population by the Genome Aggregation Database (gnomAD). The available evidence is insufficient to determine the role of this variant in disease conclusively. Therefore, this variant is classified as a Variant of Uncertain Significance.